The following is an entry in ClinVar:

ClinVar aggregate classification (germline): Uncertain significance. Review status: criteria provided, multiple submitters, no conflicts (2 of 4 stars). 2 submissions from 2 submitters: Uncertain significance (2). Last evaluated 2025-03-26.

Conditions:
Hereditary cancer-predisposing syndrome. Also called: Tumor predisposition; Hereditary neoplastic syndrome; Neoplastic Syndromes, Hereditary; Hereditary Cancer Syndrome. Identifiers: Orphanet 140162, MedGen C0027672, MeSH D009386, MONDO:0015356.
Rhabdoid tumor predisposition syndrome 2 (RTPS2). Identifiers: Orphanet 231108, Orphanet 69077, MedGen C2750074, MONDO:0013224, OMIM 613325.

Allele frequency attached by ClinVar (database versions not stated): gnomAD exomes below 0.00001; ExAC 0.00001.

Submissions (2):

Labcorp Genetics (formerly Invitae), Labcorp
Classification: Uncertain significance for Rhabdoid tumor predisposition syndrome 2. Last evaluated: 2025-03-26. Review status: criteria provided, single submitter. Criteria: Invitae Variant Classification Sherloc (09022015). Collection method: clinical testing. Allele origin: germline.
Comment: This sequence change replaces glutamic acid, which is acidic and polar, with lysine, which is basic and polar, at codon 1425 of the SMARCA4 protein (p.Glu1425Lys). The frequency data for this variant in the population databases is considered unreliable, as metrics indicate poor data quality at this position in the gnomAD database. This variant has not been reported in the literature in individuals affected with SMARCA4-related conditions. ClinVar contains an entry for this variant (Variation ID: 1493840). Invitae Evidence Modeling of protein sequence and biophysical properties (such as structural, functional, and spatial information, amino acid conservation, physicochemical variation, residue mobility, and thermodynamic stability) indicates that this missense variant is expected to disrupt SMARCA4 protein function with a positive predictive value of 95%. In summary, the available evidence is currently insufficient to determine the role of this variant in disease. Therefore, it has been classified as a Variant of Uncertain Significance.

Ambry Genetics
Classification: Uncertain significance for Hereditary cancer-predisposing syndrome. Last evaluated: 2020-09-29. Review status: criteria provided, single submitter. Criteria: Ambry Variant Classification Scheme 2023. Collection method: clinical testing. Allele origin: germline.
Comment: The p.E1425K variant (also known as c.4273G>A), located in coding exon 30 of the SMARCA4 gene, results from a G to A substitution at nucleotide position 4273. The glutamic acid at codon 1425 is replaced by lysine, an amino acid with similar properties. This amino acid position is highly conserved in available vertebrate species. In addition, the in silico prediction for this alteration is inconclusive. Since supporting evidence is limited at this time, the clinical significance of this alteration remains unclear.

NM_003072.5(SMARCA4):c.4177G>A (p.Glu1393Lys)

Gene: SMARCA4 (SWI/SNF related BAF chromatin remodeling complex subunit ATPase 4; plus strand). Cytogenetic location: 19p13.2.
Variant type: single nucleotide variant.
Coding change: c.4177G>A on transcript NM_003072.5 (MANE Select); coding-DNA position 4177, G replaced by A.
Protein change: p.Glu1393Lys; replaces glutamic acid 1393 with lysine.
Molecular consequence: missense variant. On other transcripts: non-coding transcript variant (1).
Genome position (GRCh38, 1-based): chr19:11,041,313, G>A. VCF-style: chr19-11041313-G-A. GRCh37 (hg19) VCF-style: chr19-11151989-G-A.
Other names: c.4177G>A, p.Glu1393Lys (NM_001128844.3); c.4087G>A, p.Glu1363Lys (NM_001128845.2, NM_001128846.2); c.4078G>A, p.Glu1360Lys (NM_001128847.4, NM_001128848.2, NM_001374457.1); c.4273G>A, p.Glu1425Lys (NM_001128849.3, NM_001387283.1); short protein forms E1360K, E1363K, E1393K, E1425K.
Identifiers: ClinVar variation 1493840 (VCV001493840.8), dbSNP rs752264295, ClinGen allele CA9204671.